The following is an entry in ClinVar:

NM_001177316.2(SLC34A3):c.1328C>T (p.Ala443Val)

Gene: SLC34A3 (solute carrier family 34 member 3; plus strand). Cytogenetic location: 9q34.3.
Variant type: single nucleotide variant.
Coding change: c.1328C>T on transcript NM_001177316.2 (MANE Select); coding-DNA position 1328, C replaced by T.
Protein change: p.Ala443Val; replaces alanine 443 with valine.
Molecular consequence: missense variant.
Genome position (GRCh38, 1-based): chr9:137,234,724, C>T. VCF-style: chr9-137234724-C-T. GRCh37 (hg19) VCF-style: chr9-140129176-C-T.
Other names: c.1328C>T, p.Ala443Val (NM_001177317.2, NM_080877.3); short protein forms A443V.
Identifiers: ClinVar variation 1929504 (VCV001929504.5), dbSNP rs1307965771, ClinGen allele CA375738396.
Genomic context (GRCh38, chr9:137,234,724, plus strand): 5'-GCACCACTACCACAGCCCTGCTGGCTGCCCTGGCCAGCCCCGCAGACAGGATGCTCAGCG[C>T]CCTGCAGGTACTGTCCACCCTGCCCCGCTGCCAGAACTGGCCAGCTTCCTCTCAGCCCCA-3'
Protein context (NP_001170787.2, residues 433-453): LASPADRMLS[Ala443Val]LQVALIHFFF

ClinVar aggregate classification (germline): Uncertain significance (1 of 4 stars; one submission).

Submission:

Labcorp Genetics (formerly Invitae), Labcorp
Classification: Uncertain significance. Last evaluated: 2022-02-06. Review status: criteria provided, single submitter. Criteria: Invitae Variant Classification Sherloc (09022015). Collection method: clinical testing. Allele origin: germline.
Comment: In summary, the available evidence is currently insufficient to determine the role of this variant in disease. Therefore, it has been classified as a Variant of Uncertain Significance. Algorithms developed to predict the effect of missense changes on protein structure and function are either unavailable or do not agree on the potential impact of this missense change (SIFT: "Deleterious"; PolyPhen-2: "Probably Damaging"; Align-GVGD: "Class C0"). This variant has not been reported in the literature in individuals affected with SLC34A3-related conditions. This variant is not present in population databases (gnomAD no frequency). This sequence change replaces alanine, which is neutral and non-polar, with valine, which is neutral and non-polar, at codon 443 of the SLC34A3 protein (p.Ala443Val).